The following is an entry in ClinVar:

NM_000350.3(ABCA4):c.570+7G>T

Gene: ABCA4 (ATP binding cassette subfamily A member 4; minus strand). Cytogenetic location: 1p22.1.
Variant type: single nucleotide variant.
Coding change: c.570+7G>T on transcript NM_000350.3 (MANE Select); 7 bases into the intron after coding-DNA position 570, G replaced by T.
Molecular consequence: intron variant.
Genome position (GRCh38, 1-based): chr1:94,103,008, C>A on the plus strand (G>T on the coding strand, the complement: ABCA4 is on the minus strand). VCF-style: chr1-94103008-C-A. GRCh37 (hg19) VCF-style: chr1-94568564-C-A.
Identifiers: ClinVar variation 939644 (VCV000939644.11), dbSNP rs367976871, ClinGen allele CA958812.

ClinVar aggregate classification (germline): Likely benign. Review status: criteria provided, single submitter (1 of 4 stars). 2 submissions from 2 submitters: Likely benign (1). 1 of the submissions does not count toward it. Last evaluated 2025-05-26.

Conditions:
ABCA4-related disorder. Also called: ABCA4-related disorders; ABCA4-related condition. Identifiers: MedGen CN239167.

Allele frequency attached by ClinVar (database versions not stated): TOPMed 0.00020; ESP Exome Variant Server 0.00023.
gnomAD v4.1: 36 of 1,614,050 alleles (0.0022%); highest among the groups gnomAD compares: African/African-American, 0.047%; no homozygotes.

Submissions (2):

Labcorp Genetics (formerly Invitae), Labcorp
Classification: Likely benign. Last evaluated: 2025-05-26. Review status: criteria provided, single submitter. Criteria: Invitae Variant Classification Sherloc (09022015). Collection method: clinical testing. Allele origin: germline.

PreventionGenetics, part of Exact Sciences
Classification: Likely benign for ABCA4-related condition. Last evaluated: 2023-06-16. Review status: no assertion criteria provided. Collection method: clinical testing. Allele origin: germline. Not counted in ClinVar's aggregate classification.
Comment: This variant is classified as likely benign based on ACMG/AMP sequence variant interpretation guidelines (Richards et al. 2015 PMID: 25741868, with internal and published modifications).